The following is an entry in ClinVar:

ClinVar aggregate classification (germline): Pathogenic (1 of 4 stars; one submission).

Submission:

Labcorp Genetics (formerly Invitae), Labcorp
Classification: Pathogenic. Last evaluated: 2022-07-10. Review status: criteria provided, single submitter. Criteria: Invitae Variant Classification Sherloc (09022015). Collection method: clinical testing. Allele origin: germline.
Comment: This variant is not present in population databases (gnomAD no frequency). This variant has not been reported in the literature in individuals affected with ELP1-related conditions. Algorithms developed to predict the effect of sequence changes on RNA splicing suggest that this variant may disrupt the consensus splice site. For these reasons, this variant has been classified as Pathogenic. This sequence change creates a premature translational stop signal (p.Thr32Argfs*10) in the ELP1 gene. It is expected to result in an absent or disrupted protein product. Loss-of-function variants in ELP1 are known to be pathogenic (PMID: 18303054, 24173031).

Literature cited by the submitters: PubMed 18303054; PubMed 24173031.

NM_003640.5(ELP1):c.94del (p.Thr32fs)

Gene: ELP1 (elongator acetyltransferase complex subunit 1; minus strand). Cytogenetic location: 9q31.3.
Variant type: Deletion.
Coding change: c.94del on transcript NM_003640.5 (MANE Select); coding-DNA position 94, one base deleted (A; older notation c.94delA).
Protein change: p.Thr32fs; shifts the reading frame from threonine 32.
Molecular consequence: frameshift variant. On other transcripts: 5 prime UTR variant (2).
Genome position (GRCh38, 1-based): chr9:108,931,053, T deleted on the plus strand (A on the coding strand, the reverse complement: ELP1 is on the minus strand). VCF-style (leftmost placement, unchanged base first): chr9-108931052-GT-G. GRCh37 (hg19) VCF-style: chr9-111693332-GT-G.
Other names: c.-249del (NM_001318360.2); c.-766del (NM_001330749.2); short protein forms T32fs.
Identifiers: ClinVar variation 2015722 (VCV002015722.4), dbSNP rs2537966940, ClinGen allele CA2580079407.